The following is an entry in ClinVar:

NM_000264.5(PTCH1):c.2001G>T (p.Glu667Asp)

Genes: PTCH1 (patched 1; minus strand), LOC100507346 (uncharacterized LOC100507346; plus strand). Cytogenetic location: 9q22.32.
Variant type: single nucleotide variant.
Coding change: c.2001G>T on transcript NM_000264.5 (MANE Select); coding-DNA position 2001, G replaced by T.
Protein change: p.Glu667Asp; replaces glutamic acid 667 with aspartic acid.
Molecular consequence: missense variant. On other transcripts: non-coding transcript variant (2).
Genome position (GRCh38, 1-based): chr9:95,469,000, C>A on the plus strand (G>T on the coding strand, the complement: PTCH1 is on the minus strand). VCF-style: chr9-95469000-C-A. GRCh37 (hg19) VCF-style: chr9-98231282-C-A.
Other names: c.1803G>T, p.Glu601Asp (NM_001083602.3); c.1998G>T, p.Glu666Asp (NM_001083603.3); c.1548G>T, p.Glu516Asp (NM_001083604.3, NM_001083605.3, NM_001083606.3 and 1 more transcripts); c.1845G>T, p.Glu615Asp (NM_001354918.2); short protein forms E516D, E601D, E615D, E666D, E667D.
Identifiers: ClinVar variation 3230967 (VCV003230967.1), dbSNP rs1840303330, ClinGen allele CA374115868.

ClinVar aggregate classification (germline): Uncertain significance (1 of 4 stars; one submission).

Conditions:
Hereditary cancer-predisposing syndrome. Also called: Neoplastic Syndromes, Hereditary; Tumor predisposition; Hereditary neoplastic syndrome; Hereditary Cancer Syndrome. Identifiers: Orphanet 140162, MedGen C0027672, MeSH D009386, MONDO:0015356.

gnomAD v4.1: 2 of 1,614,032 alleles (0.00012%); highest among the groups gnomAD compares: Non-Finnish European, 0.000085%; no homozygotes.

Submission:

Ambry Genetics
Classification: Uncertain significance for Hereditary cancer-predisposing syndrome. Last evaluated: 2024-02-27. Review status: criteria provided, single submitter. Criteria: Ambry Variant Classification Scheme 2023. Collection method: clinical testing. Allele origin: germline.
Comment: The p.E667D variant (also known as c.2001G>T), located in coding exon 14 of the PTCH1 gene, results from a G to T substitution at nucleotide position 2001. The glutamic acid at codon 667 is replaced by aspartic acid, an amino acid with highly similar properties. This amino acid position is conserved. In addition, the in silico prediction for this alteration is inconclusive. Based on the available evidence, the clinical significance of this alteration remains unclear.